The following is an entry in ClinVar:

ClinVar aggregate classification (germline): Uncertain significance (1 of 4 stars; one submission).

Submission:

GeneDx
Classification: Uncertain significance. Last evaluated: 2025-08-04. Review status: criteria provided, single submitter. Criteria: GeneDx Variant Classification Process June 2021. Collection method: clinical testing. Allele origin: germline. Affected: yes.
Comment: Has not been previously published as pathogenic or benign to our knowledge; In silico analysis supports that this missense variant has a deleterious effect on protein structure/function; This substitution is predicted to be within the cytoplasmic loop between the second and third homologous domains; Not observed at significant frequency in large population cohorts (gnomAD)

NM_001330260.2(SCN8A):c.3241G>A (p.Glu1081Lys)

Gene: SCN8A (sodium voltage-gated channel alpha subunit 8; plus strand). Cytogenetic location: 12q13.13.
Variant type: single nucleotide variant.
Coding change: c.3241G>A on transcript NM_001330260.2 (MANE Select); coding-DNA position 3241, G replaced by A.
Protein change: p.Glu1081Lys; replaces glutamic acid 1081 with lysine.
Molecular consequence: missense variant.
Genome position (GRCh38, 1-based): chr12:51,769,204, G>A. VCF-style: chr12-51769204-G-A. GRCh37 (hg19) VCF-style: chr12-52162988-G-A.
Other names: c.3241G>A, p.Glu1081Lys (NM_001177984.3, NM_001369788.1, NM_014191.4); short protein forms E1081K.
Identifiers: ClinVar variation 4755788 (VCV004755788.1).